The following is an entry in ClinVar:

NM_133433.4(NIPBL):c.7367C>G (p.Thr2456Arg)

Gene: NIPBL (NIPBL cohesin loading factor; plus strand). Cytogenetic location: 5p13.2.
Variant type: single nucleotide variant.
Coding change: c.7367C>G on transcript NM_133433.4 (MANE Select); coding-DNA position 7367, C replaced by G.
Protein change: p.Thr2456Arg; replaces threonine 2456 with arginine.
Molecular consequence: missense variant.
Genome position (GRCh38, 1-based): chr5:37,057,289, C>G. VCF-style: chr5-37057289-C-G. GRCh37 (hg19) VCF-style: chr5-37057391-C-G.
Other names: c.7367C>G, p.Thr2456Arg (NM_015384.5); short protein forms T2456R.
Identifiers: ClinVar variation 4070819 (VCV004070819.1).
Genomic context (GRCh38, chr5:37,057,289, plus strand): 5'-CCTGTTTTCCATACCAGACACAGGAAGAGCCGTTGTTTATAATGCATCATATAGACATTA[C>G]ACTCTCAGTTTCTGGTAGTAACCTACTGCAGTCATTCAAGGAGGTAAGTTACACACATTA-3'
Protein context (NP_597677.2, residues 2446-2466): PLFIMHHIDI[Thr2456Arg]LSVSGSNLLQ

ClinVar aggregate classification (germline): Uncertain significance (1 of 4 stars; one submission).

Submission:

GeneDx
Classification: Uncertain significance. Last evaluated: 2025-01-17. Review status: criteria provided, single submitter. Criteria: GeneDx Variant Classification Process June 2021. Collection method: clinical testing. Allele origin: germline. Affected: yes.
Comment: Not observed at significant frequency in large population cohorts (gnomAD); In silico analysis indicates that this missense variant does not alter protein structure/function; Has not been previously published as pathogenic or benign to our knowledge